The following is an entry in ClinVar:

NM_032119.4(ADGRV1):c.3022+8T>C

Gene: ADGRV1 (adhesion G protein-coupled receptor V1; plus strand). Cytogenetic location: 5q14.3.
Variant type: single nucleotide variant.
Coding change: c.3022+8T>C on transcript NM_032119.4 (MANE Select); 8 bases into the intron after coding-DNA position 3022, T replaced by C.
Molecular consequence: intron variant.
Genome position (GRCh38, 1-based): chr5:90,646,099, T>C. VCF-style: chr5-90646099-T-C. GRCh37 (hg19) VCF-style: chr5-89941916-T-C.
Identifiers: ClinVar variation 282971 (VCV000282971.48), dbSNP rs375286987, ClinGen allele CA3339083.
Genomic context (GRCh38, chr5:90,646,099, plus strand): 5'-AACAACTGCAACTCTGAGGATTAGAAGAAATGATGACCCCATTTATTTTGCAGGTGGTAT[T>C]GCTGTCTTATTTGAATGAGTTTACATATTTCTTAAATAGTATATATAAATGTATATATGC-3'

ClinVar aggregate classification (germline): Conflicting classifications of pathogenicity. Review status: criteria provided, conflicting classifications (1 of 4 stars). 8 submissions from 8 submitters: Uncertain significance (2); Likely benign (5). 1 of the submissions does not count toward it. Last evaluated 2026-01-25.

Conditions:
ADGRV1-related disorder. Also called: ADGRV1-related disorders; ADGRV1-related condition.
Usher syndrome type 2C. Also called: Usher syndrome, type 2B; USHER SYNDROME, TYPE IIC. Identifiers: Orphanet 231178, Orphanet 886, MedGen C2931213, MONDO:0011558, OMIM 605472.

Allele frequency attached by ClinVar (database versions not stated): 1000 Genomes Project 0.00020; gnomAD 0.00027; TOPMed 0.00027; 1000 Genomes Project 30x 0.00031; gnomAD exomes 0.00035 and 0.00044; ESP Exome Variant Server 0.00068; ExAC 0.00077.
gnomAD v4.1: 650 of 1,543,322 alleles (0.042%); highest among the groups gnomAD compares: Non-Finnish European, 0.052%; 1 homozygote.

Submissions (8):

Labcorp Genetics (formerly Invitae), Labcorp
Classification: Likely benign. Last evaluated: 2026-01-25. Review status: criteria provided, single submitter. Criteria: Invitae Variant Classification Sherloc (09022015). Collection method: clinical testing. Allele origin: germline.

Laboratory of Genetics, Children's Clinical University Hospital Latvia
Classification: Likely benign. Last evaluated: 2025-02-16. Review status: criteria provided, single submitter. Criteria: ACMG Guidelines, 2015. Collection method: clinical testing. Allele origin: germline. Affected: yes.

Blueprint Genetics
Classification: Likely benign. Last evaluated: 2024-11-18. Review status: criteria provided, single submitter. Criteria: ACMG Guidelines, 2015. Collection method: clinical testing. Allele origin: germline.

CeGaT Center for Human Genetics Tuebingen
Classification: Likely benign. Last evaluated: 2024-09-01. Review status: criteria provided, single submitter. Criteria: CeGaT Center For Human Genetics Tuebingen Variant Classification Criteria Version 2. Collection method: clinical testing. Allele origin: germline. Affected: yes. Observed: 3 variant alleles.
Comment: ADGRV1: BP4

GeneDx
Classification: Likely benign. Last evaluated: 2018-09-28. Review status: criteria provided, single submitter. Criteria: GeneDx Variant Classification Process June 2021. Collection method: clinical testing. Allele origin: germline. Affected: yes.

Illumina Laboratory Services, Illumina
Classification: Uncertain significance for Usher syndrome type 2C. Last evaluated: 2018-01-12. Review status: criteria provided, single submitter. Criteria: ICSL Variant Classification Criteria 13 December 2019. Collection method: clinical testing. Allele origin: germline.

Eurofins Ntd Llc (ga)
Classification: Uncertain significance. Last evaluated: 2015-09-09. Review status: criteria provided, single submitter. Criteria: EGL Classification Definitions 2015. Collection method: clinical testing. Allele origin: germline. Observed: 1 variant allele, 1 heterozygote.

PreventionGenetics, part of Exact Sciences
Classification: Likely benign for ADGRV1-related condition. Last evaluated: 2020-03-23. Review status: no assertion criteria provided. Collection method: clinical testing. Allele origin: germline. Not counted in ClinVar's aggregate classification.
Comment: This variant is classified as likely benign based on ACMG/AMP sequence variant interpretation guidelines (Richards et al. 2015 PMID: 25741868, with internal and published modifications).